The following is an entry in ClinVar:

NM_004656.4(BAP1):c.1025G>T (p.Ser342Ile)

Gene: BAP1 (BRCA1 associated deubiquitinase 1; minus strand). Cytogenetic location: 3p21.1.
Variant type: single nucleotide variant.
Coding change: c.1025G>T on transcript NM_004656.4 (MANE Select); coding-DNA position 1025, G replaced by T.
Protein change: p.Ser342Ile; replaces serine 342 with isoleucine.
Molecular consequence: missense variant.
Genome position (GRCh38, 1-based): chr3:52,405,201, C>A on the plus strand (G>T on the coding strand, the complement: BAP1 is on the minus strand). VCF-style: chr3-52405201-C-A. GRCh37 (hg19) VCF-style: chr3-52439217-C-A.
Other names: c.971G>T, p.Ser324Ile (NM_001410772.1); short protein forms S342I, S324I.
Identifiers: ClinVar variation 2130974 (VCV002130974.5), dbSNP rs2153227036, ClinGen allele CA353105890.

ClinVar aggregate classification (germline): Uncertain significance. Review status: criteria provided, multiple submitters, no conflicts (2 of 4 stars). 2 submissions from 2 submitters: Uncertain significance (2). Last evaluated 2026-03-23.

Conditions:
BAP1-related tumor predisposition syndrome (TPDS1). Also called: Tumor susceptibility linked to germline BAP1 mutations; TUMOR PREDISPOSITION SYNDROME 1; COMMON Syndrome; BAP1 tumor predisposition syndrome. Identifiers: Orphanet 289539, MedGen C3280492, MONDO:0013692, OMIM 614327.
Hereditary cancer-predisposing syndrome. Also called: Tumor predisposition; Hereditary Cancer Syndrome; Hereditary neoplastic syndrome; Neoplastic Syndromes, Hereditary. Identifiers: Orphanet 140162, MedGen C0027672, MeSH D009386, MONDO:0015356.

Submissions (2):

Ambry Genetics
Classification: Uncertain significance for Hereditary cancer-predisposing syndrome. Last evaluated: 2026-03-23. Review status: criteria provided, single submitter. Criteria: Ambry Variant Classification Scheme 2023. Collection method: clinical testing. Allele origin: germline.
Comment: The p.S342I variant (also known as c.1025G>T), located in coding exon 11 of the BAP1 gene, results from a G to T substitution at nucleotide position 1025. The serine at codon 342 is replaced by isoleucine, an amino acid with dissimilar properties. This amino acid position is conserved. In addition, this alteration is predicted to be tolerated by in silico analysis. Based on the available evidence, the clinical significance of this variant remains unclear.

Labcorp Genetics (formerly Invitae), Labcorp
Classification: Uncertain significance for BAP1-related tumor predisposition syndrome. Last evaluated: 2022-09-06. Review status: criteria provided, single submitter. Criteria: Invitae Variant Classification Sherloc (09022015). Collection method: clinical testing. Allele origin: germline.
Comment: In summary, the available evidence is currently insufficient to determine the role of this variant in disease. Therefore, it has been classified as a Variant of Uncertain Significance. Algorithms developed to predict the effect of missense changes on protein structure and function are either unavailable or do not agree on the potential impact of this missense change (SIFT: "Deleterious"; PolyPhen-2: "Benign"; Align-GVGD: "Class C0"). This variant has not been reported in the literature in individuals affected with BAP1-related conditions. This variant is not present in population databases (gnomAD no frequency). This sequence change replaces serine, which is neutral and polar, with isoleucine, which is neutral and non-polar, at codon 342 of the BAP1 protein (p.Ser342Ile).